The following is an entry in ClinVar:

NM_000289.6(PFKM):c.1453A>G (p.Ile485Val)

Gene: PFKM (phosphofructokinase, muscle; plus strand). Cytogenetic location: 12q13.11.
Variant type: single nucleotide variant.
Coding change: c.1453A>G on transcript NM_000289.6 (MANE Select); coding-DNA position 1453, A replaced by G.
Protein change: p.Ile485Val; replaces isoleucine 485 with valine.
Molecular consequence: missense variant. On other transcripts: non-coding transcript variant (6).
Genome position (GRCh38, 1-based): chr12:48,141,780, A>G. VCF-style: chr12-48141780-A-G. GRCh37 (hg19) VCF-style: chr12-48535563-A-G.
Other names: c.1666A>G, p.Ile556Val (NM_001166686.2, NM_001354737.1, NM_001354738.1 and 1 more transcripts); c.1453A>G, p.Ile485Val (NM_001166687.2, NM_001166688.2, NM_001354742.2 and 2 more transcripts); c.1762A>G, p.Ile588Val (NM_001354735.1, NM_001354736.1); c.1597A>G, p.Ile533Val (NM_001354740.1); c.1477A>G, p.Ile493Val (NM_001354741.2); c.1366A>G, p.Ile456Val (NM_001354745.2); c.1327A>G, p.Ile443Val (NM_001354746.2); c.1303A>G, p.Ile435Val (NM_001354747.2, NM_001354748.2); and 1 more; short protein forms I456V, I493V, I556V, I435V, I533V, I443V, I588V, I454V.
Identifiers: ClinVar variation 1926543 (VCV001926543.5), dbSNP rs2498572839, ClinGen allele CA384551816.
Genomic context (GRCh38, chr12:48,141,780, plus strand): 5'-CGCCATCACTGATCAACTAGGACTCTACCCAAGAAGAGCTTTGAACAGATCAGTGCCAAT[A>G]TAACTAAGTTTAACATTCAGGGCCTTGTCATCATTGGGGGCTTTGAGGTGAGTGCCTGCC-3'
Protein context (NP_000280.1, residues 475-495): KKSFEQISAN[Ile485Val]TKFNIQGLVI

ClinVar aggregate classification (germline): Uncertain significance (1 of 4 stars; one submission).

Conditions:
Glycogen storage disease, type VII (GSD7). Also called: GSD VII; MUSCLE PHOSPHOFRUCTOKINASE DEFICIENCY; PFKM DEFICIENCY; TARUI DISEASE. Identifiers: Orphanet 371, MedGen C0017926, MONDO:0009295, OMIM 232800.

Allele frequency attached by ClinVar (database versions not stated): gnomAD exomes below 0.00001.
gnomAD v4.1: 1 of 1,613,940 alleles (0.000062%); highest among the groups gnomAD compares: Non-Finnish European, 0.000085%; no homozygotes.

Submission:

Labcorp Genetics (formerly Invitae), Labcorp
Classification: Uncertain significance for Glycogen storage disease, type VII. Last evaluated: 2022-11-07. Review status: criteria provided, single submitter. Criteria: Invitae Variant Classification Sherloc (09022015). Collection method: clinical testing. Allele origin: germline.
Comment: In summary, the available evidence is currently insufficient to determine the role of this variant in disease. Therefore, it has been classified as a Variant of Uncertain Significance. Advanced modeling of protein sequence and biophysical properties (such as structural, functional, and spatial information, amino acid conservation, physicochemical variation, residue mobility, and thermodynamic stability) performed at Invitae indicates that this missense variant is not expected to disrupt PFKM protein function. This variant has not been reported in the literature in individuals affected with PFKM-related conditions. This variant is not present in population databases (gnomAD no frequency). This sequence change replaces isoleucine, which is neutral and non-polar, with valine, which is neutral and non-polar, at codon 485 of the PFKM protein (p.Ile485Val).